The following is an entry in ClinVar:

ClinVar aggregate classification (germline): Uncertain significance (1 of 4 stars; one submission).

gnomAD v4.1: 1 of 1,612,116 alleles (0.000062%); highest among the groups gnomAD compares: Non-Finnish European, 0.000085%; no homozygotes.

Submission:

Ambry Genetics
Classification: Uncertain significance. Last evaluated: 2025-08-20. Review status: criteria provided, single submitter. Criteria: Ambry Variant Classification Scheme 2023. Collection method: clinical testing. Allele origin: germline.
Comment: The p.T914R variant (also known as c.2741C>G), located in coding exon 8 of the CDK12 gene, results from a C to G substitution at nucleotide position 2741. The threonine at codon 914 is replaced by arginine, an amino acid with similar properties. This amino acid position is conserved. In addition, the in silico prediction for this alteration is inconclusive. Based on the available evidence, the clinical significance of this variant remains unclear.

NM_016507.4(CDK12):c.2741C>G (p.Thr914Arg)

Gene: CDK12 (cyclin dependent kinase 12; plus strand). Cytogenetic location: 17q12.
Variant type: single nucleotide variant.
Coding change: c.2741C>G on transcript NM_016507.4 (MANE Select); coding-DNA position 2741, C replaced by G.
Protein change: p.Thr914Arg; replaces threonine 914 with arginine.
Molecular consequence: missense variant.
Genome position (GRCh38, 1-based): chr17:39,511,603, C>G. VCF-style: chr17-39511603-C-G. GRCh37 (hg19) VCF-style: chr17-37667856-C-G.
Other names: c.2741C>G, p.Thr914Arg (NM_015083.4); short protein forms T914R.
Identifiers: ClinVar variation 4224408 (VCV004224408.1).